The following is an entry in ClinVar:

NM_001267550.2(TTN):c.7545C>T (p.Tyr2515=)

Gene: TTN (titin; minus strand). Cytogenetic location: 2q31.2.
Variant type: single nucleotide variant.
Coding change: c.7545C>T on transcript NM_001267550.2 (MANE Select); coding-DNA position 7545, C replaced by T.
Protein change: p.Tyr2515=; no amino-acid change (tyrosine 2515 retained).
Molecular consequence: synonymous variant.
Genome position (GRCh38, 1-based): chr2:178,773,511, G>A on the plus strand (C>T on the coding strand, the complement: TTN is on the minus strand). VCF-style: chr2-178773511-G-A. GRCh37 (hg19) VCF-style: chr2-179638238-G-A.
Other names: p.Y2515Y:TAC>TAT; p.Tyr2515=; c.7545C>T, p.Tyr2515= (NM_001256850.1, NM_133378.4, NM_133379.5); c.7407C>T, p.Tyr2469= (NM_003319.4, NM_133432.3, NM_133437.4).
Identifiers: ClinVar variation 47420 (VCV000047420.39), dbSNP rs2291306, ClinGen allele CA283924.

ClinVar aggregate classification (germline): Benign/Likely benign. Review status: criteria provided, multiple submitters, no conflicts (2 of 4 stars). 24 submissions from 17 submitters: Benign (20); Likely benign (2). 2 of the submissions do not count toward it. Last evaluated 2026-02-04.

Conditions:
Cardiovascular phenotype. Identifiers: MedGen CN230736.
Autosomal recessive limb-girdle muscular dystrophy type 2J (LGMDR10). Also called: Limb-girdle muscular dystrophy, type 2J; MUSCULAR DYSTROPHY, LIMB-GIRDLE, AUTOSOMAL RECESSIVE 10. Identifiers: Orphanet 140922, MedGen C1837342, MONDO:0012127, OMIM 608807.
Dilated cardiomyopathy 1G (CMD1G). Identifiers: Orphanet 154, MedGen C1858763, MONDO:0011400, OMIM 604145.
Early-onset myopathy with fatal cardiomyopathy (CMYO5). Also called: Salih Myopathy; CONGENITAL MYOPATHY 5 WITH CARDIOMYOPATHY. Identifiers: Orphanet 289377, MedGen C2673677, MONDO:0012714, OMIM 611705. Disease mechanism: loss of function.
Myopathy, myofibrillar, 9, with early respiratory failure (MFM9). Also called: Hereditary myopathy with early respiratory failure; EDSTROM MYOPATHY; MYOPATHY, PROXIMAL, WITH EARLY RESPIRATORY MUSCLE INVOLVEMENT; Myopathy, distal, with early respiratory failure, autosomal dominant. Identifiers: Orphanet 178464, Orphanet 34521, MedGen C1863599, MONDO:0011362, OMIM 603689.
Tibial muscular dystrophy (TMD). Also called: UDD MYOPATHY; Udd Distal Myopathy – Tibial Muscular Dystrophy; Tibial muscular dystrophy, tardive. Identifiers: Orphanet 609, MedGen C1838244, MONDO:0010870, OMIM 600334.

Allele frequency attached by ClinVar (database versions not stated): 1000 Genomes Project 30x 0.07417; 1000 Genomes Project 0.07548; TOPMed 0.08764; gnomAD exomes 0.09013 and 0.10722; ExAC 0.09155; gnomAD 0.09224 and 0.09235; ESP Exome Variant Server 0.10180.
gnomAD v4.1: 170,386 of 1,613,940 alleles (11%); highest among the groups gnomAD compares: Non-Finnish European, 11%; 9,483 homozygotes.

Submissions (24):

Labcorp Genetics (formerly Invitae), Labcorp
Classification: Benign for Dilated cardiomyopathy 1G; Autosomal recessive limb-girdle muscular dystrophy type 2J. Last evaluated: 2026-02-04. Review status: criteria provided, single submitter. Criteria: Invitae Variant Classification Sherloc (09022015). Collection method: clinical testing. Allele origin: germline.

Molecular Diagnostic Laboratory for Inherited Cardiovascular Disease, Montreal Heart Institute
Classification: Benign. Last evaluated: 2025-04-09. Review status: criteria provided, single submitter. Criteria: ACMG Guidelines, 2015. Collection method: clinical testing. Allele origin: germline. Affected: no.

Blueprint Genetics
Classification: Benign. Last evaluated: 2024-11-26. Review status: criteria provided, single submitter. Criteria: ACMG Guidelines, 2015. Collection method: clinical testing. Allele origin: germline.

Genome-Nilou Lab
Classification: Benign for Autosomal recessive limb-girdle muscular dystrophy type 2J. Last evaluated: 2021-09-10. Review status: criteria provided, single submitter. Criteria: ACMG Guidelines, 2015. Collection method: clinical testing. Allele origin: germline. Affected: no.

Genome-Nilou Lab
Classification: Benign for Myopathy, myofibrillar, 9, with early respiratory failure. Last evaluated: 2021-09-10. Review status: criteria provided, single submitter. Criteria: ACMG Guidelines, 2015. Collection method: clinical testing. Allele origin: germline. Affected: no.

Genome-Nilou Lab
Classification: Benign for Early-onset myopathy with fatal cardiomyopathy. Last evaluated: 2021-09-10. Review status: criteria provided, single submitter. Criteria: ACMG Guidelines, 2015. Collection method: clinical testing. Allele origin: germline. Affected: no.

Genome-Nilou Lab
Classification: Benign for Tibial muscular dystrophy. Last evaluated: 2021-09-10. Review status: criteria provided, single submitter. Criteria: ACMG Guidelines, 2015. Collection method: clinical testing. Allele origin: germline. Affected: no.

Women's Health and Genetics/Laboratory Corporation of America, LabCorp
Classification: Benign. Last evaluated: 2019-08-09. Review status: criteria provided, single submitter. Criteria: LabCorp Variant Classification Summary - May 2015. Collection method: clinical testing. Allele origin: germline.

Athena Diagnostics
Classification: Benign. Last evaluated: 2018-06-21. Review status: criteria provided, single submitter. Criteria: Athena Diagnostics Criteria. Collection method: clinical testing. Allele origin: germline.

Illumina Laboratory Services, Illumina
Classification: Benign for Early-onset myopathy with fatal cardiomyopathy. Last evaluated: 2018-01-12. Review status: criteria provided, single submitter. Criteria: ICSL Variant Classification Criteria 13 December 2019. Collection method: clinical testing. Allele origin: germline.
Comment: This variant was observed in the ICSL laboratory as part of a predisposition screen in an ostensibly healthy population. It had not been previously curated by ICSL or reported in the Human Gene Mutation Database (HGMD: prior to June 1st, 2018), and was therefore a candidate for classification through an automated scoring system. Utilizing variant allele frequency, disease prevalence and penetrance estimates, and inheritance mode, an automated score was calculated to assess if this variant is too frequent to cause the disease. Based on the score and internal cut-off values, a variant classified as benign is not then subjected to further curation. The score for this variant resulted in a classification of benign for this disease.

Illumina Laboratory Services, Illumina
Classification: Benign for Tibial muscular dystrophy. Last evaluated: 2018-01-12. Review status: criteria provided, single submitter. Criteria: ICSL Variant Classification Criteria 13 December 2019. Collection method: clinical testing. Allele origin: germline.
Comment: the same text as in the submission from Illumina Laboratory Services, Illumina above.

Illumina Laboratory Services, Illumina
Classification: Benign for Autosomal recessive limb-girdle muscular dystrophy type 2J. Last evaluated: 2018-01-12. Review status: criteria provided, single submitter. Criteria: ICSL Variant Classification Criteria 13 December 2019. Collection method: clinical testing. Allele origin: germline.
Comment: the same text as in the submission from Illumina Laboratory Services, Illumina above.

Illumina Laboratory Services, Illumina
Classification: Likely benign for Dilated cardiomyopathy 1G. Last evaluated: 2018-01-12. Review status: criteria provided, single submitter. Criteria: ICSL Variant Classification Criteria 13 December 2019. Collection method: clinical testing. Allele origin: germline.
Comment: This variant was observed in the ICSL laboratory as part of a predisposition screen in an ostensibly healthy population. It had not been previously curated by ICSL or reported in the Human Gene Mutation Database (HGMD: prior to June 1st, 2018), and was therefore a candidate for classification through an automated scoring system. Utilizing variant allele frequency, disease prevalence and penetrance estimates, and inheritance mode, an automated score was calculated to assess if this variant is too frequent to cause the disease. Based on the score and internal cut-off values, a variant classified as likely benign is not then subjected to further curation. The score for this variant resulted in a classification of likely benign for this disease.

Illumina Laboratory Services, Illumina
Classification: Benign for Myopathy, myofibrillar, 9, with early respiratory failure. Last evaluated: 2018-01-12. Review status: criteria provided, single submitter. Criteria: ICSL Variant Classification Criteria 13 December 2019. Collection method: clinical testing. Allele origin: germline.
Comment: the same text as in the submission from Illumina Laboratory Services, Illumina above.

Mayo Clinic Laboratories, Mayo Clinic
Classification: Benign. Last evaluated: 2017-07-25. Review status: criteria provided, single submitter. Criteria: ACMG Guidelines, 2015. Collection method: clinical testing. Allele origin: germline. Observed: 468 variant alleles.

Ambry Genetics
Classification: Benign for Cardiovascular phenotype. Last evaluated: 2015-10-22. Review status: criteria provided, single submitter. Criteria: Ambry Autosomal Dominant and X-Linked criteria (10/2015). Collection method: clinical testing. Allele origin: germline. Observed: 1 variant allele.

Eurofins Ntd Llc (ga)
Classification: Benign. Last evaluated: 2014-01-27. Review status: criteria provided, single submitter. Criteria: EGL Classification Definitions 2015. Collection method: clinical testing. Allele origin: germline. Observed: 1 variant allele, 1 heterozygote.

Genetic Services Laboratory, University of Chicago
Classification: Benign for AllHighlyPenetrant. Last evaluated: 2013-08-15. Review status: criteria provided, single submitter. Criteria: ACMG Guidelines, 2007. Collection method: clinical testing. Allele origin: germline.

GeneDx
Classification: Benign. Last evaluated: 2012-11-01. Review status: criteria provided, single submitter. Criteria: GeneDx Variant Classification (06012015). Collection method: clinical testing. Allele origin: germline. Affected: yes.
Comment: This variant is considered likely benign or benign based on one or more of the following criteria: it is a conservative change, it occurs at a poorly conserved position in the protein, it is predicted to be benign by multiple in silico algorithms, and/or has population frequency not consistent with disease.

Laboratory for Molecular Medicine, Mass General Brigham Personalized Medicine
Classification: Benign. Last evaluated: 2011-09-27. Review status: criteria provided, single submitter. Criteria: LMM Criteria. Collection method: clinical testing. Allele origin: germline. Observed: 357 variant alleles.

Breakthrough Genomics
Classification: Likely benign. Review status: criteria provided, single submitter. Criteria: ACMG Guidelines, 2015. Collection method: not provided. Allele origin: germline. Inheritance: Autosomal recessive inheritance. Affected: yes.

PreventionGenetics, part of Exact Sciences
Classification: Benign. Review status: criteria provided, single submitter. Criteria: ACMG Guidelines, 2015. Collection method: clinical testing. Allele origin: germline.

Clinical Genetics DNA and cytogenetics Diagnostics Lab, Erasmus MC, Erasmus Medical Center
Classification: Benign. Review status: no assertion criteria provided. Collection method: clinical testing. Allele origin: germline. Affected: yes. Study: VKGL Data-share Consensus. Not counted in ClinVar's aggregate classification.

Clinical Genetics, Academic Medical Center
Classification: Benign. Review status: no assertion criteria provided. Collection method: clinical testing. Allele origin: germline. Affected: yes. Study: VKGL Data-share Consensus. Not counted in ClinVar's aggregate classification.